The following is an entry in ClinVar:

ClinVar aggregate classification (germline): Uncertain significance (1 of 4 stars; one submission).

Conditions:
Generalized epilepsy with febrile seizures plus, type 2 (GEFSP2). Also called: GEFS+, TYPE 2. Identifiers: Orphanet 36387, MedGen C1858673, MONDO:0011461, OMIM 604403.

Submission:

MGZ Medical Genetics Center
Classification: Uncertain significance for Generalized epilepsy with febrile seizures plus, type 2. Last evaluated: 2022-02-18. Review status: criteria provided, single submitter. Criteria: ACMG Guidelines, 2015. Collection method: clinical testing. Allele origin: germline. Affected: yes. Observed: 2 variant alleles.
Comment: ACMG criteria applied: PM2_SUP, PP2, PP3

NM_001165963.4(SCN1A):c.4563G>C (p.Lys1521Asn)

Genes: SCN1A (sodium voltage-gated channel alpha subunit 1; minus strand), LOC102724058 (uncharacterized LOC102724058; plus strand). Cytogenetic location: 2q24.3.
Variant type: single nucleotide variant.
Coding change: c.4563G>C on transcript NM_001165963.4 (MANE Select); coding-DNA position 4563, G replaced by C.
Protein change: p.Lys1521Asn; replaces lysine 1521 with asparagine.
Molecular consequence: missense variant. On other transcripts: non-coding transcript variant (1).
Genome position (GRCh38, 1-based): chr2:165,996,031, C>G on the plus strand (G>C on the coding strand, the complement: SCN1A is on the minus strand). VCF-style: chr2-165996031-C-G. GRCh37 (hg19) VCF-style: chr2-166852541-C-G.
Other names: c.4479G>C, p.Lys1493Asn (NM_001165964.3, NM_001353957.2, NM_001353958.2); c.4563G>C, p.Lys1521Asn (NM_001202435.3, NM_001353948.2); c.4530G>C, p.Lys1510Asn (NM_001353949.2, NM_001353950.2, NM_001353951.2 and 2 more transcripts); c.4527G>C, p.Lys1509Asn (NM_001353954.2, NM_001353955.2); c.4476G>C, p.Lys1492Asn (NM_001353960.2); c.2121G>C, p.Lys707Asn (NM_001353961.2); short protein forms K1492N, K1493N, K1509N, K1510N, K1521N, K707N.
Identifiers: ClinVar variation 1709255 (VCV001709255.2), dbSNP rs2468376296, ClinGen allele CA349048570.
Genomic context (GRCh38, chr2:165,996,031, plus strand): 5'-TTGTTTTTGTATTTTTCCCCCATATCATTTGATACTTCTTACTCCTGGTCGAGGTATAGG[C>G]TTTTGCGGTTTTTTCGATCCTAATTTTTTCATTGCATTATAGTATTTCTTCTGTTCTTCT-3'
Protein context (NP_001159435.1, residues 1511-1531): MKKLGSKKPQ[Lys1521Asn]PIPRPGNKFQ